The following is an entry in ClinVar:

NM_000426.4(LAMA2):c.8244+2dup

Gene: LAMA2 (laminin subunit alpha 2; plus strand). Cytogenetic location: 6q22.33.
Variant type: Duplication.
Coding change: c.8244+2dup on transcript NM_000426.4 (MANE Select); the canonical splice donor site of the intron after coding-DNA position 8244, one base duplicated (T; older notation c.8244+2dupT).
Molecular consequence: splice donor variant.
Genome position (GRCh38, 1-based): chr6:129,492,485, T duplicated. VCF-style (leftmost placement, unchanged base first): chr6-129492484-G-GT. GRCh37 (hg19) VCF-style: chr6-129813629-G-GT.
Other names: c.8232+2dup (NM_001079823.2); c.8244+2dupT (NM_000426.3).
Identifiers: ClinVar variation 477516 (VCV000477516.9), dbSNP rs1554310330, ClinGen allele CA658657623.

ClinVar aggregate classification (germline): Conflicting classifications of pathogenicity. Review status: criteria provided, conflicting classifications (1 of 4 stars). 2 submissions from 2 submitters: Pathogenic (1); Uncertain significance (1). Last evaluated 2022-11-06.

Conditions:
Merosin deficient congenital muscular dystrophy (MDC1A). Also called: Congenital merosin-deficient muscular dystrophy 1A; Congenital Muscular Dystrophy Type 1A (MDC1A). Identifiers: Orphanet 258, MedGen C1263858, MONDO:0011925, OMIM 607855.
LAMA2-related muscular dystrophy (LAMA2-RD). Also called: Laminin alpha 2-related dystrophy. Identifiers: MedGen C5679788, MONDO:0100228.

Submissions (2):

Baylor Genetics
Classification: Pathogenic for Merosin deficient congenital muscular dystrophy. Last evaluated: 2022-11-06. Review status: criteria provided, single submitter. Criteria: ACMG Guidelines, 2015. Collection method: clinical testing. Allele origin: unknown.

Labcorp Genetics (formerly Invitae), Labcorp
Classification: Uncertain significance for LAMA2-related muscular dystrophy. Last evaluated: 2021-07-09. Review status: criteria provided, single submitter. Criteria: Invitae Variant Classification Sherloc (09022015). Collection method: clinical testing. Allele origin: germline.
Comment: In summary, the available evidence is currently insufficient to determine the role of this variant in disease. Therefore, it has been classified as a Variant of Uncertain Significance. Nucleotide substitutions within the consensus splice site are a relatively common cause of aberrant splicing (PMID: 17576681, 9536098). Algorithms developed to predict the effect of sequence changes on RNA splicing suggest that this variant may disrupt the consensus splice site, but this prediction has not been confirmed by published transcriptional studies. This variant has been observed in individual(s) with LAMA2-related conditions (PMID: 30055037). ClinVar contains an entry for this variant (Variation ID: 477516). This variant is not present in population databases (ExAC no frequency). This sequence change falls in intron 58 of the LAMA2 gene. It does not directly change the encoded amino acid sequence of the LAMA2 protein. It affects a nucleotide within the consensus splice site of the intron.

Literature cited by the submitters: PubMed 17576681 (cited by Labcorp Genetics (formerly Invitae), Labcorp); PubMed 9536098 (cited by Labcorp Genetics (formerly Invitae), Labcorp); PubMed 30055037 (cited by Labcorp Genetics (formerly Invitae), Labcorp).